The following is an entry in ClinVar:

NM_006312.6(NCOR2):c.6591C>T (p.Ser2197=)

Gene: NCOR2 (nuclear receptor corepressor 2; minus strand). Cytogenetic location: 12q24.31.
Variant type: single nucleotide variant.
Coding change: c.6591C>T on transcript NM_006312.6 (MANE Select); coding-DNA position 6591, C replaced by T.
Protein change: p.Ser2197=; no amino-acid change (serine 2197 retained).
Molecular consequence: synonymous variant.
Genome position (GRCh38, 1-based): chr12:124,334,438, G>A on the plus strand (C>T on the coding strand, the complement: NCOR2 is on the minus strand). VCF-style: chr12-124334438-G-A. GRCh37 (hg19) VCF-style: chr12-124818984-G-A.
Other names: c.6561C>T, p.Ser2187= (NM_001077261.4, NM_001206654.2).
Identifiers: ClinVar variation 3033094 (VCV003033094.2), dbSNP rs181072341, ClinGen allele CA6867461.

ClinVar aggregate classification (germline): Benign (0 of 4 stars; one submission).

Conditions:
NCOR2-related disorder. Also called: NCOR2-related condition.

Allele frequency attached by ClinVar (database versions not stated): gnomAD exomes 0.00056; ExAC 0.00546; ESP Exome Variant Server 0.00601; TOPMed 0.00872; 1000 Genomes Project 30x 0.00874; 1000 Genomes Project 0.00879.
gnomAD v4.1: 1,997 of 1,502,384 alleles (0.13%); highest among the groups gnomAD compares: African/African-American, 2.5%; 24 homozygotes.

Submission:

PreventionGenetics, part of Exact Sciences
Classification: Benign for NCOR2-related condition. Last evaluated: 2019-06-12. Review status: no assertion criteria provided. Collection method: clinical testing. Allele origin: germline.
Comment: This variant is classified as benign based on ACMG/AMP sequence variant interpretation guidelines (Richards et al. 2015 PMID: 25741868, with internal and published modifications).